The following is an entry in ClinVar:

ClinVar aggregate classification (germline): Uncertain significance. Review status: criteria provided, multiple submitters, no conflicts (2 of 4 stars). 3 submissions from 3 submitters: Uncertain significance (3). Last evaluated 2025-10-14.

Conditions:
Episodic pain syndrome, familial, 2 (FEPS2). Identifiers: Orphanet 306577, MedGen C3809893, MONDO:0014246, OMIM 615551.
Cardiovascular phenotype. Identifiers: MedGen CN230736.
Brugada syndrome. Also called: Sudden unexpected nocturnal death syndrome; Sudden Unexplained Death Syndrome; Sudden Unexplained Nocturnal Death Syndrome (SUNDS); Sudden unexplained nocturnal death syndrome. Identifiers: Orphanet 130, MedGen C1142166, MONDO:0015263.

Allele frequency attached by ClinVar (database versions not stated): gnomAD exomes below 0.00001; gnomAD 0.00001; TOPMed 0.00001.
gnomAD v4.1: 16 of 1,613,844 alleles (0.00099%); highest among the groups gnomAD compares: Non-Finnish European, 0.0013%; no homozygotes.

Submissions (3):

Ambry Genetics
Classification: Uncertain significance for Cardiovascular phenotype. Last evaluated: 2025-10-14. Review status: criteria provided, single submitter. Criteria: Ambry Variant Classification Scheme 2023. Collection method: clinical testing. Allele origin: germline.
Comment: The p.C276Y variant (also known as c.827G>A), located in coding exon 6 of the SCN10A gene, results from a G to A substitution at nucleotide position 827. The cysteine at codon 276 is replaced by tyrosine, an amino acid with highly dissimilar properties. This amino acid position is conserved. In addition, this alteration is predicted to be deleterious by in silico analysis. Since supporting evidence is limited at this time, the clinical significance of this alteration remains unclear.

Labcorp Genetics (formerly Invitae), Labcorp
Classification: Uncertain significance for Brugada syndrome. Last evaluated: 2025-07-18. Review status: criteria provided, single submitter. Criteria: Invitae Variant Classification Sherloc (09022015). Collection method: clinical testing. Allele origin: germline.
Comment: This sequence change replaces cysteine, which is neutral and slightly polar, with tyrosine, which is neutral and polar, at codon 276 of the SCN10A protein (p.Cys276Tyr). This variant is present in population databases (no rsID available, gnomAD 0.0009%). This variant has not been reported in the literature in individuals affected with SCN10A-related conditions. ClinVar contains an entry for this variant (Variation ID: 1019459). Invitae Evidence Modeling of protein sequence and biophysical properties (such as structural, functional, and spatial information, amino acid conservation, physicochemical variation, residue mobility, and thermodynamic stability) indicates that this missense variant is expected to disrupt SCN10A protein function with a positive predictive value of 80%. In summary, the available evidence is currently insufficient to determine the role of this variant in disease. Therefore, it has been classified as a Variant of Uncertain Significance.

Clinical Genomics Laboratory, Washington University in St. Louis
Classification: Uncertain significance for Episodic pain syndrome, familial, 2. Last evaluated: 2024-06-04. Review status: criteria provided, single submitter. Criteria: ACMG Guidelines, 2015. Collection method: clinical testing. Allele origin: germline.
Comment: The SCN10A c.827G>A (p.Cys276Tyr) variant, to our knowledge, has not been reported in the medical literature but has been reported in the ClinVar database as a germline variant of uncertain significance by two submitters. This variant is only observed on 1/251,274 alleles in the general population (gnomAD v.2.1.1), indicating it is not a common variant. Computational predictors indicate that the variant is damaging, evidence that correlates with impact to Na_v1.8 function. Additionally, another variant in a highly related gene in the paralogous amino acid, SCN1A p.Cys277Arg, has been described in individuals with Dravet syndrome and is considered pathogenic (ClinVar Variation ID: 2203200). Due to limited information, and based on ACMG/AMP guidelines for variant interpretation (Richards S et al., PMID: 25741868), the clinical significance of this variant is uncertain at this time.

NM_006514.4(SCN10A):c.827G>A (p.Cys276Tyr)

Gene: SCN10A (sodium voltage-gated channel alpha subunit 10; minus strand). Cytogenetic location: 3p22.2.
Variant type: single nucleotide variant.
Coding change: c.827G>A on transcript NM_006514.4 (MANE Select); coding-DNA position 827, G replaced by A.
Protein change: p.Cys276Tyr; replaces cysteine 276 with tyrosine.
Molecular consequence: missense variant.
Genome position (GRCh38, 1-based): chr3:38,761,248, C>T on the plus strand (G>A on the coding strand, the complement: SCN10A is on the minus strand). VCF-style: chr3-38761248-C-T. GRCh37 (hg19) VCF-style: chr3-38802739-C-T.
Other names: c.827G>A, p.Cys276Tyr (NM_001293306.2, NM_001293307.2); short protein forms C276Y.
Identifiers: ClinVar variation 1019459 (VCV001019459.9), dbSNP rs1251019283, ClinGen allele CA352171584.